The following is an entry in ClinVar:

ClinVar aggregate classification (germline): Uncertain significance (1 of 4 stars; one submission).

gnomAD v4.1: 73 of 1,613,834 alleles (0.0045%); highest among the groups gnomAD compares: Non-Finnish European, 0.0057%; no homozygotes.

Submission:

Mayo Clinic Laboratories, Mayo Clinic
Classification: Uncertain significance. Last evaluated: 2025-07-09. Review status: criteria provided, single submitter. Criteria: ACMG Guidelines, 2015. Collection method: clinical testing. Allele origin: germline. Observed: 1 variant allele.
Comment: BP4

NM_020041.3(SLC2A9):c.395G>C (p.Gly132Ala)

Genes: SLC2A9 (solute carrier family 2 member 9; minus strand), SLC2A9-AS1 (SLC2A9 antisense RNA 1; plus strand). Cytogenetic location: 4p16.1.
Variant type: single nucleotide variant.
Coding change: c.395G>C on transcript NM_020041.3 (MANE Select); coding-DNA position 395, G replaced by C.
Protein change: p.Gly132Ala; replaces glycine 132 with alanine.
Molecular consequence: missense variant.
Genome position (GRCh38, 1-based): chr4:9,996,796, C>G on the plus strand (G>C on the coding strand, the complement: SLC2A9 is on the minus strand). VCF-style: chr4-9996796-C-G. GRCh37 (hg19) VCF-style: chr4-9998420-C-G.
Other names: p.Gly132Ala; c.308G>C, p.Gly103Ala (NM_001001290.2); short protein forms G103A, G132A.
Identifiers: ClinVar variation 4540973 (VCV004540973.1).